The following is an entry in ClinVar:

ClinVar aggregate classification (germline): Uncertain significance. Review status: criteria provided, multiple submitters, no conflicts (2 of 4 stars). 2 submissions from 2 submitters: Uncertain significance (2). Last evaluated 2024-01-24.

Conditions:
Hereditary hyperekplexia. Identifiers: Orphanet 3197, MedGen C4084968, MONDO:0021022.
Hyperekplexia 1 (STHE). Also called: HYPEREKPLEXIA 1, AUTOSOMAL DOMINANT; HYPEREKPLEXIA 1, AUTOSOMAL RECESSIVE; EXAGGERATED STARTLE REACTION; KOK DISEASE; STARTLE DISEASE, FAMILIAL; STIFF-BABY SYNDROME. Identifiers: Orphanet 3197, MedGen C4551954, MONDO:0007868, OMIM 149400.

Submissions (2):

Labcorp Genetics (formerly Invitae), Labcorp
Classification: Uncertain significance for Hereditary hyperekplexia. Last evaluated: 2024-01-24. Review status: criteria provided, single submitter. Criteria: Invitae Variant Classification Sherloc (09022015). Collection method: clinical testing. Allele origin: germline.
Comment: This sequence change replaces valine, which is neutral and non-polar, with aspartic acid, which is acidic and polar, at codon 154 of the GLRA1 protein (p.Val154Asp). This variant is not present in population databases (gnomAD no frequency). This variant has not been reported in the literature in individuals affected with GLRA1-related conditions. ClinVar contains an entry for this variant (Variation ID: 2003410). Advanced modeling of protein sequence and biophysical properties (such as structural, functional, and spatial information, amino acid conservation, physicochemical variation, residue mobility, and thermodynamic stability) performed at Invitae indicates that this missense variant is expected to disrupt GLRA1 protein function with a positive predictive value of 95%. In summary, the available evidence is currently insufficient to determine the role of this variant in disease. Therefore, it has been classified as a Variant of Uncertain Significance.

Neuberg Centre For Genomic Medicine, NCGM
Classification: Uncertain significance for Hyperekplexia 1. Last evaluated: 2023-05-20. Review status: criteria provided, single submitter. Criteria: ACMG Guidelines, 2015. Collection method: clinical testing. Allele origin: germline. Inheritance: Autosomal recessive inheritance. Affected: yes.
Comment: The observed missense c.461T>A(p.Val154Asp) variant in GLRA1 gene has not been reported previously as a pathogenic variant nor as a benign variant, to our knowledge. This variant is absent in gnomAD Exomes. This variant has been reported to the ClinVar database as Uncertain Significance. However, no details are available for independent assessment. The amino acid Val at position 154 is changed to a Asp changing protein sequence and it might alter its composition and physico-chemical properties. The amino acid change p.Val154Asp in GLRA1 is predicted as conserved by GERP++ and PhyloP across 100 vertebrates. Multiple lines of computational evidence (Polyphen - Possibly Damaging, SIFT - Damaging, and MutationTaster - Disease causing) predict a damaging effect on protein structure and function for this variant. For these reasons, this variant has been classified as Uncertain Significance.

NM_000171.4(GLRA1):c.461T>A (p.Val154Asp)

Gene: GLRA1 (glycine receptor alpha 1; minus strand). Cytogenetic location: 5q33.1.
Variant type: single nucleotide variant.
Coding change: c.461T>A on transcript NM_000171.4 (MANE Select); coding-DNA position 461, T replaced by A.
Protein change: p.Val154Asp; replaces valine 154 with aspartic acid.
Molecular consequence: missense variant.
Genome position (GRCh38, 1-based): chr5:151,859,800, A>T on the plus strand (T>A on the coding strand, the complement: GLRA1 is on the minus strand). VCF-style: chr5-151859800-A-T. GRCh37 (hg19) VCF-style: chr5-151239361-A-T.
Other names: c.461T>A, p.Val154Asp (NM_001146040.2); c.212T>A, p.Val71Asp (NM_001292000.2); short protein forms V71D, V154D.
Identifiers: ClinVar variation 2003410 (VCV002003410.5), dbSNP rs2479990984, ClinGen allele CA361841191.